The following is an entry in ClinVar:

ClinVar aggregate classification (germline): Pathogenic (1 of 4 stars; one submission).

Conditions:
Cohen syndrome (COH1). Also called: PEPPER SYNDROME; Cutis verticis gyrata, retinitis pigmentosa, and sensorineural deafness. Identifiers: Orphanet 193, MedGen C0265223, MONDO:0008999, OMIM 216550.

Submission:

Labcorp Genetics (formerly Invitae), Labcorp
Classification: Pathogenic for Cohen syndrome. Last evaluated: 2020-05-21. Review status: criteria provided, single submitter. Criteria: Invitae Variant Classification Sherloc (09022015). Collection method: clinical testing. Allele origin: germline.
Comment: Loss-of-function variants in VPS13B are known to be pathogenic (PMID: 15141358, 16648375, 20461111). This variant has not been reported in the literature in individuals with VPS13B-related conditions. This variant is not present in population databases (ExAC no frequency). This sequence change creates a premature translational stop signal (p.Thr1023Lysfs*4) in the VPS13B gene. It is expected to result in an absent or disrupted protein product. For these reasons, this variant has been classified as Pathogenic.

Literature cited by the submitters: PubMed 15141358; PubMed 16648375; PubMed 20461111.

NM_152564.5(VPS13B):c.3068del (p.Thr1023fs)

Gene: VPS13B (vacuolar protein sorting 13 homolog B; plus strand). Cytogenetic location: 8q22.2.
Variant type: Deletion.
Coding change: c.3068del on transcript NM_152564.5 (MANE Select); coding-DNA position 3068, one base deleted (C; older notation c.3068delC).
Protein change: p.Thr1023fs; shifts the reading frame from threonine 1023.
Molecular consequence: frameshift variant.
Genome position (GRCh38, 1-based): chr8:99,391,690, C deleted. VCF-style (leftmost placement, unchanged base first): chr8-99391689-AC-A. GRCh37 (hg19) VCF-style: chr8-100403917-AC-A.
Other names: c.3068del, p.Thr1023fs (NM_017890.5); short protein forms T1023fs.
Identifiers: ClinVar variation 1073915 (VCV001073915.7), dbSNP rs2133312827, ClinGen allele CA2499219471.